The following is an entry in ClinVar:

NM_001292063.2(OTOG):c.7247G>A (p.Cys2416Tyr)

Gene: OTOG (otogelin; plus strand). Cytogenetic location: 11p15.1.
Variant type: single nucleotide variant.
Coding change: c.7247G>A on transcript NM_001292063.2 (MANE Select); coding-DNA position 7247, G replaced by A.
Protein change: p.Cys2416Tyr; replaces cysteine 2416 with tyrosine.
Molecular consequence: missense variant.
Genome position (GRCh38, 1-based): chr11:17,633,854, G>A. VCF-style: chr11-17633854-G-A. GRCh37 (hg19) VCF-style: chr11-17655401-G-A.
Other names: c.7283G>A, p.Cys2428Tyr (NM_001277269.2); short protein forms C2428Y, C2416Y.
Identifiers: ClinVar variation 2818590 (VCV002818590.3), dbSNP rs1009528280, ClinGen allele CA218497696.

ClinVar aggregate classification (germline): Uncertain significance (1 of 4 stars; one submission).

Allele frequency attached by ClinVar (database versions not stated): gnomAD 0.00001; TOPMed 0.00001.

Submission:

Labcorp Genetics (formerly Invitae), Labcorp
Classification: Uncertain significance. Last evaluated: 2025-06-12. Review status: criteria provided, single submitter. Criteria: Invitae Variant Classification Sherloc (09022015). Collection method: clinical testing. Allele origin: germline.
Comment: This sequence change replaces cysteine, which is neutral and slightly polar, with tyrosine, which is neutral and polar, at codon 2428 of the OTOG protein (p.Cys2428Tyr). This variant is not present in population databases (gnomAD no frequency). This missense change has been observed in individual(s) with deafness (PMID: 36515421). ClinVar contains an entry for this variant (Variation ID: 2818590). An algorithm developed to predict the effect of missense changes on protein structure and function (PolyPhen-2) suggests that this variant is likely to be disruptive. In summary, the available evidence is currently insufficient to determine the role of this variant in disease. Therefore, it has been classified as a Variant of Uncertain Significance.

Literature cited by the submitters: PubMed 36515421.